The following is an entry in ClinVar:

ClinVar aggregate classification (germline): Conflicting classifications of pathogenicity. Review status: criteria provided, conflicting classifications (1 of 4 stars). 7 submissions from 7 submitters: Uncertain significance (2); Benign (1); Likely benign (4). Last evaluated 2025-06-25.

Conditions:
Familial thoracic aortic aneurysm and aortic dissection (TAAD). Also called: Thoracic aortic aneurysms and dissections. Identifiers: Orphanet 91387, MedGen C4707243, MONDO:0019625.
Loeys-Dietz syndrome 2 (LDS2). Also called: TGFBR2-Related Loeys-Dietz Syndrome; AORTIC ANEURYSM, FAMILIAL THORACIC 3; MARFAN SYNDROME, TYPE II; Marfan Syndrome type 2; Marfan like connective tissue disorder; MFS 2. Identifiers: Orphanet 284973, Orphanet 558, MedGen C2674574, MONDO:0012427, OMIM 610168.

Allele frequency attached by ClinVar (database versions not stated): gnomAD below 0.00001 and 0.00002; TOPMed below 0.00001; gnomAD exomes 0.00007 and 0.00014; ExAC 0.00016.
gnomAD v4.1: 104 of 1,614,094 alleles (0.0064%); highest among the groups gnomAD compares: South Asian, 0.11%; 1 homozygote.

Submissions (7):

Ambry Genetics
Classification: Uncertain significance for Familial thoracic aortic aneurysm and aortic dissection. Last evaluated: 2025-06-25. Review status: criteria provided, single submitter. Criteria: Ambry Variant Classification Scheme 2023. Collection method: clinical testing. Allele origin: germline.
Comment: The p.T155I variant (also known as c.464C>T), located in coding exon 4 of the TGFBR2 gene, results from a C to T substitution at nucleotide position 464. The threonine at codon 155 is replaced by isoleucine, an amino acid with similar properties. This variant was observed in a large cohort of individuals with suspected connective tissue disease, however, patient-specific details were not provided (Lerner-Ellis JP et al. Mol Genet Metab, 2014 Jun;112:171-6). This amino acid position is not well conserved in available vertebrate species. In addition, this alteration is predicted to be tolerated by in silico analysis. Based on the available evidence, the clinical significance of this variant remains unclear.

Labcorp Genetics (formerly Invitae), Labcorp
Classification: Likely benign for Familial thoracic aortic aneurysm and aortic dissection. Last evaluated: 2025-04-19. Review status: criteria provided, single submitter. Criteria: Invitae Variant Classification Sherloc (09022015). Collection method: clinical testing. Allele origin: germline.

All of Us Research Program, National Institutes of Health
Classification: Likely benign for Loeys-Dietz syndrome 2. Last evaluated: 2024-05-30. Review status: criteria provided, single submitter. Criteria: ACMG Guidelines, 2015. Collection method: clinical testing. Allele origin: germline. Inheritance: Autosomal dominant inheritance. Observed: 5 variant alleles, 5 heterozygotes.
Comment: This study involves interpretation of variants in research participants for the purpose of population health screening. Participant phenotype was not available at the time of variant classification. Additional details can be found in publication PMID: 35346344, PMCID: PMC8962531

Color Diagnostics, LLC DBA Color Health
Classification: Likely benign for Familial thoracic aortic aneurysm and aortic dissection. Last evaluated: 2019-11-19. Review status: criteria provided, single submitter. Criteria: ACMG Guidelines, 2015. Collection method: clinical testing. Allele origin: germline.

GeneDx
Classification: Likely benign. Last evaluated: 2019-02-12. Review status: criteria provided, single submitter. Criteria: GeneDx Variant Classification Process June 2021. Collection method: clinical testing. Allele origin: germline. Affected: yes.
Comment: See Variant Classification Assertion Criteria.

Women's Health and Genetics/Laboratory Corporation of America, LabCorp
Classification: Benign. Last evaluated: 2017-09-11. Review status: criteria provided, single submitter. Criteria: LabCorp Variant Classification Summary - May 2015. Collection method: clinical testing. Allele origin: germline.
Comment: Variant summary: The TGFBR2 c.464C>T (p.Thr155Ile) variant located in the transforming growth ffactor beta receptor 2 ectodomain (via InterPro) involves the alteration of a non-conserved nucleotide and 3/4 in silico tools (SNPsandGO not captured due to low reliability index) predict a benign outcome for this variant. This variant was found in 35/246096 control chromosomes, predominantly observed in the South Asian subpopulation at a frequency of 0.001137 (35/30782). This frequency is about 364 times the estimated maximal expected allele frequency of a pathogenic TGFBR2 variant (0.0000031), suggesting this is likely a benign polymorphism found primarily in population(s) of South Asian origin. A publication, Lerner-Ellis_2014, cites the variant in one affected individual with limited information (no cosegregation data). A clinical diagnostic laboratory classified this variant as uncertain significance, however, this classification occurred prior to the availablity of gnomAD or ExAC. Therefore, the variant of interest has been classified as "benign."

Laboratory for Molecular Medicine, Mass General Brigham Personalized Medicine
Classification: Uncertain significance. Last evaluated: 2010-09-24. Review status: criteria provided, single submitter. Criteria: LMM Criteria. Collection method: clinical testing. Allele origin: germline. Observed: 1 variant allele.
Comment: Variant classified as Uncertain Significance - Favor Pathogenic.

Literature cited by the submitters: PubMed 24793577 (cited by Ambry Genetics).

NM_003242.6(TGFBR2):c.464C>T (p.Thr155Ile)

Gene: TGFBR2 (transforming growth factor beta receptor 2; plus strand). Cytogenetic location: 3p24.1.
Variant type: single nucleotide variant.
Coding change: c.464C>T on transcript NM_003242.6 (MANE Select); coding-DNA position 464, C replaced by T.
Protein change: p.Thr155Ile; replaces threonine 155 with isoleucine.
Molecular consequence: missense variant.
Genome position (GRCh38, 1-based): chr3:30,671,647, C>T. VCF-style: chr3-30671647-C-T. GRCh37 (hg19) VCF-style: chr3-30713139-C-T.
Other names: c.539C>T, p.Thr180Ile (NM_001024847.3); c.647C>T, p.Thr216Ile (NM_001407126.1); c.572C>T, p.Thr191Ile (NM_001407127.1); c.491C>T, p.Thr164Ile (NM_001407128.1); c.467C>T, p.Thr156Ile (NM_001407129.1); c.464C>T, p.Thr155Ile (NM_001407130.1); c.359C>T, p.Thr120Ile (NM_001407132.1, NM_001407133.1, NM_001407134.1 and 2 more transcripts); c.179C>T, p.Thr60Ile (NM_001407137.1); and 1 more; short protein forms T155I, T180I, T164I, T216I, T35I, T60I, T120I, T156I.
Identifiers: ClinVar variation 177927 (VCV000177927.25), dbSNP rs727504406, ClinGen allele CA020772.